The following is an entry in ClinVar:

NM_000053.4(ATP7B):c.3412G>C (p.Asp1138His)

Gene: ATP7B (ATPase copper transporting beta; minus strand). Cytogenetic location: 13q14.3.
Variant type: single nucleotide variant.
Coding change: c.3412G>C on transcript NM_000053.4 (MANE Select); coding-DNA position 3412, G replaced by C.
Protein change: p.Asp1138His; replaces aspartic acid 1138 with histidine.
Molecular consequence: missense variant.
Genome position (GRCh38, 1-based): chr13:51,942,386, C>G on the plus strand (G>C on the coding strand, the complement: ATP7B is on the minus strand). VCF-style: chr13-51942386-C-G. GRCh37 (hg19) VCF-style: chr13-52516522-C-G.
Other names: c.2791G>C, p.Asp931His (NM_001005918.3); c.3079G>C, p.Asp1027His (NM_001243182.2); c.3178G>C, p.Asp1060His (NM_001330578.2, NM_001406527.1, NM_001406528.1); c.3160G>C, p.Asp1054His (NM_001330579.2, NM_001406531.1, NM_001406532.1); c.3412G>C, p.Asp1138His (NM_001406511.1, NM_001406512.1, NM_001406526.1); c.3406G>C, p.Asp1136His (NM_001406513.1); c.3379G>C, p.Asp1127His (NM_001406514.1); c.3358G>C, p.Asp1120His (NM_001406515.1, NM_001406516.1); and 20 more; short protein forms D1025H, D1027H, D1028H, D1042H, D1054H, D1058H, D1060H, D1073H.
Identifiers: ClinVar variation 3067116 (VCV003067116.8), dbSNP rs2547611249, ClinGen allele CA388027653.

ClinVar aggregate classification (germline): Likely pathogenic. Review status: criteria provided, multiple submitters, no conflicts (2 of 4 stars). 2 submissions from 2 submitters: Likely pathogenic (2). Last evaluated 2025-09-01.

Conditions:
Wilson disease (WND). Also called: Wilson's disease. Identifiers: Orphanet 905, MedGen C0019202, MONDO:0010200, OMIM 277900. Disease mechanism: loss of function.

Submissions (2):

CeGaT Center for Human Genetics Tuebingen
Classification: Likely pathogenic. Last evaluated: 2025-09-01. Review status: criteria provided, single submitter. Criteria: CeGaT Center For Human Genetics Tuebingen Variant Classification Criteria Version 2. Collection method: clinical testing. Allele origin: germline. Affected: yes. Observed: 1 variant allele.
Comment: ATP7B: PM2, PP4:Moderate, PM3:Supporting, PP3

MVZ Dr. Eberhard & Partner Dortmund
Classification: Likely pathogenic for Wilson disease. Last evaluated: 2024-03-01. Review status: criteria provided, single submitter. Criteria: ACMG Guidelines, 2015. Collection method: clinical testing. Allele origin: unknown. Inheritance: Autosomal recessive inheritance. Affected: yes. Observed: 1 homozygote.
Comment: The missense variant c.3412G>C for p.(Asp1138His) in ATP7B has not been reported in the literature and is not found in control groups of different ethnicities. c.3412G>C affects the last nucleotide of exon 15 and several in-silico splicing analyses consistently indicated that c.3412 G>C could affect the splice donor site of intron 15 and lead to aberrant splicing. Clinical and laboratory data point to Wilson disease.